The following is an entry in ClinVar:

ClinVar aggregate classification (germline): Likely pathogenic (1 of 4 stars; one submission).

gnomAD v4.1: 15 of 1,588,654 alleles (0.00094%); highest among the groups gnomAD compares: African/African-American, 0.0014%; no homozygotes.

Submission:

Labcorp Genetics (formerly Invitae), Labcorp
Classification: Likely pathogenic. Last evaluated: 2024-10-08. Review status: criteria provided, single submitter. Criteria: Invitae Variant Classification Sherloc (09022015). Collection method: clinical testing. Allele origin: germline.
Comment: This sequence change affects a donor splice site in intron 11 of the DYNC2LI1 gene. It is expected to disrupt RNA splicing. Variants that disrupt the donor or acceptor splice site typically lead to a loss of protein function (PMID: 16199547), and loss-of-function variants in DYNC2LI1 are known to be pathogenic (PMID: 26077881, 26130459). This variant is present in population databases (no rsID available, gnomAD 0.002%). This variant has not been reported in the literature in individuals affected with DYNC2LI1-related conditions. Algorithms developed to predict the effect of sequence changes on RNA splicing suggest that this variant may disrupt the consensus splice site. In summary, the currently available evidence indicates that the variant is pathogenic, but additional data are needed to prove that conclusively. Therefore, this variant has been classified as Likely Pathogenic.

Literature cited by the submitters: PubMed 16199547; PubMed 26077881; PubMed 26130459.

NM_016008.4(DYNC2LI1):c.900+1G>A

Gene: DYNC2LI1 (dynein cytoplasmic 2 light intermediate chain 1; plus strand). Cytogenetic location: 2p21.
Variant type: single nucleotide variant.
Coding change: c.900+1G>A on transcript NM_016008.4 (MANE Select); the canonical splice donor site of the intron after coding-DNA position 900, G replaced by A.
Molecular consequence: splice donor variant.
Genome position (GRCh38, 1-based): chr2:43,804,740, G>A. VCF-style: chr2-43804740-G-A. GRCh37 (hg19) VCF-style: chr2-44031879-G-A.
Other names: c.903+1G>A (NM_001348913.2, NM_001193464.2); c.900+1G>A (NM_001348912.2).
Identifiers: ClinVar variation 3718484 (VCV003718484.2).